The following is an entry in ClinVar:

NM_021072.4(HCN1):c.2087C>G (p.Pro696Arg)

Gene: HCN1 (hyperpolarization activated cyclic nucleotide gated potassium channel 1; minus strand). Cytogenetic location: 5p12.
Variant type: single nucleotide variant.
Coding change: c.2087C>G on transcript NM_021072.4 (MANE Select); coding-DNA position 2087, C replaced by G.
Protein change: p.Pro696Arg; replaces proline 696 with arginine.
Molecular consequence: missense variant.
Genome position (GRCh38, 1-based): chr5:45,262,507, G>C on the plus strand (C>G on the coding strand, the complement: HCN1 is on the minus strand). VCF-style: chr5-45262507-G-C. GRCh37 (hg19) VCF-style: chr5-45262609-G-C.
Other names: short protein forms P696R.
Identifiers: ClinVar variation 4802958 (VCV004802958.1).

ClinVar aggregate classification (germline): Uncertain significance (1 of 4 stars; one submission).

Conditions:
Early-infantile DEE. Also called: Early infantile epileptic encephalopathy; Early infantile epileptic encephalopathy with suppression bursts; Ohtahara syndrome. Identifiers: Orphanet 1934, MedGen C0393706, MONDO:0800491.

gnomAD v4.1: 1 of 1,613,762 alleles (0.000062%); no homozygotes.

Submission:

Labcorp Genetics (formerly Invitae), Labcorp
Classification: Uncertain significance for Early-infantile DEE. Last evaluated: 2025-09-11. Review status: criteria provided, single submitter. Criteria: Invitae Variant Classification Sherloc (09022015). Collection method: clinical testing. Allele origin: germline.
Comment: This sequence change replaces proline, which is neutral and non-polar, with arginine, which is basic and polar, at codon 696 of the HCN1 protein (p.Pro696Arg). This variant is not present in population databases (gnomAD no frequency). This variant has not been reported in the literature in individuals affected with HCN1-related conditions. Invitae Evidence Modeling of protein sequence and biophysical properties (such as structural, functional, and spatial information, amino acid conservation, physicochemical variation, residue mobility, and thermodynamic stability) indicates that this missense variant is not expected to disrupt HCN1 protein function with a negative predictive value of 95%. In summary, the available evidence is currently insufficient to determine the role of this variant in disease. Therefore, it has been classified as a Variant of Uncertain Significance.